The following is an entry in ClinVar:

ClinVar aggregate classification (germline): Uncertain significance. Review status: criteria provided, multiple submitters, no conflicts (2 of 4 stars). 2 submissions from 2 submitters: Uncertain significance (2). Last evaluated 2026-01-19.

Conditions:
Hereditary cancer-predisposing syndrome. Also called: Tumor predisposition; Hereditary Cancer Syndrome; Neoplastic Syndromes, Hereditary; Hereditary neoplastic syndrome. Identifiers: Orphanet 140162, MedGen C0027672, MeSH D009386, MONDO:0015356.
Multiple endocrine neoplasia, type 1 (MEN1). Also called: MEN I; WERMER SYNDROME; Endocrine adenomatosis multiple; MEN 1; MEA I. Identifiers: Orphanet 652, MedGen C0025267, MeSH D018761, MONDO:0007540, OMIM 131100.

Allele frequency attached by ClinVar (database versions not stated): gnomAD exomes below 0.00001; TOPMed 0.00001.

Submissions (2):

Labcorp Genetics (formerly Invitae), Labcorp
Classification: Uncertain significance for Multiple endocrine neoplasia, type 1. Last evaluated: 2026-01-19. Review status: criteria provided, single submitter. Criteria: Invitae Variant Classification Sherloc (09022015). Collection method: clinical testing. Allele origin: germline.
Comment: This sequence change replaces serine, which is neutral and polar, with proline, which is neutral and non-polar, at codon 601 of the MEN1 protein (p.Ser601Pro). This variant is not present in population databases (gnomAD no frequency). This variant has not been reported in the literature in individuals affected with MEN1-related conditions. ClinVar contains an entry for this variant (Variation ID: 1013726). Invitae Evidence Modeling of protein sequence and biophysical properties (such as structural, functional, and spatial information, amino acid conservation, physicochemical variation, residue mobility, and thermodynamic stability) indicates that this missense variant is expected to disrupt MEN1 protein function with a positive predictive value of 80%. In summary, the available evidence is currently insufficient to determine the role of this variant in disease. Therefore, it has been classified as a Variant of Uncertain Significance.

Ambry Genetics
Classification: Uncertain significance for Hereditary cancer-predisposing syndrome. Last evaluated: 2024-02-26. Review status: criteria provided, single submitter. Criteria: Ambry Variant Classification Scheme 2023. Collection method: clinical testing. Allele origin: germline.
Comment: The p.S601P variant (also known as c.1801T>C), located in coding exon 9 of the MEN1 gene, results from a T to C substitution at nucleotide position 1801. The serine at codon 601 is replaced by proline, an amino acid with similar properties. This amino acid position is conserved. In addition, this alteration is predicted to be deleterious by in silico analysis. Based on the available evidence, the clinical significance of this alteration remains unclear.

NM_001370259.2(MEN1):c.1801T>C (p.Ser601Pro)

Gene: MEN1 (menin 1; minus strand). Cytogenetic location: 11q13.1.
Variant type: single nucleotide variant.
Coding change: c.1801T>C on transcript NM_001370259.2 (MANE Select); coding-DNA position 1801, T replaced by C.
Protein change: p.Ser601Pro; replaces serine 601 with proline.
Molecular consequence: missense variant.
Genome position (GRCh38, 1-based): chr11:64,804,366, A>G on the plus strand (T>C on the coding strand, the complement: MEN1 is on the minus strand). VCF-style: chr11-64804366-A-G. GRCh37 (hg19) VCF-style: chr11-64571838-A-G.
Other names: c.1816T>C, p.Ser606Pro (NM_000244.4, NM_130800.3, NM_130801.3 and 3 more transcripts); c.1927T>C, p.Ser643Pro (NM_001370251.2); c.1801T>C, p.Ser601Pro (NM_001370260.2, NM_001370261.2, NM_130799.3); c.1696T>C, p.Ser566Pro (NM_001370262.2, NM_001370263.2); c.1801T>C (NM_130799.2); short protein forms S566P, S601P, S606P, S643P.
Identifiers: ClinVar variation 1013726 (VCV001013726.9), dbSNP rs1941486843, ClinGen allele CA381177169.